The following is an entry in ClinVar:

ClinVar aggregate classification (germline): Benign/Likely benign. Review status: criteria provided, multiple submitters, no conflicts (2 of 4 stars). 10 submissions from 10 submitters: Benign (2); Likely benign (5). 3 of the submissions do not count toward it. Last evaluated 2026-01-28.

Conditions:
Breast-ovarian cancer, familial, susceptibility to, 1 (BROVCA1). Also called: BRCA1 Hereditary Breast and Ovarian Cancer; OVARIAN CANCER, SUSCEPTIBILITY TO. Identifiers: Orphanet 145, MedGen C2676676, MONDO:0011450, OMIM 604370. Disease mechanism: loss of function.
Hereditary breast ovarian cancer syndrome. Also called: Hereditary breast and/or ovarian cancer syndrome; Hereditary breast and ovarian cancer syndrome; Hereditary breast and ovarian cancer; Hereditary breast and ovarian cancer syndrome (HBOC); Breast and ovarian cancer; BRCA1- and BRCA2-Associated Hereditary Breast and Ovarian Cancer. Identifiers: Orphanet 145, MedGen C0677776, MeSH D061325, MONDO:0003582. Disease mechanism: loss of function.
Hereditary cancer-predisposing syndrome. Also called: Hereditary Cancer Syndrome; Neoplastic Syndromes, Hereditary; Hereditary neoplastic syndrome; Tumor predisposition. Identifiers: Orphanet 140162, MedGen C0027672, MeSH D009386, MONDO:0015356.

Allele frequency attached by ClinVar (database versions not stated): gnomAD 0.00001; gnomAD exomes 0.00001; TOPMed 0.00002; ExAC 0.00003; 1000 Genomes Project 0.00040; 1000 Genomes Project 30x 0.00047.
gnomAD v4.1: 20 of 1,604,074 alleles (0.0012%); highest among the groups gnomAD compares: Middle Eastern, 0.017%; no homozygotes.

Submissions (10):

Labcorp Genetics (formerly Invitae), Labcorp
Classification: Likely benign for Hereditary breast ovarian cancer syndrome. Last evaluated: 2026-01-28. Review status: criteria provided, single submitter. Criteria: Invitae Variant Classification Sherloc (09022015). Collection method: clinical testing. Allele origin: germline.

ARUP Laboratories, Molecular Genetics and Genomics, ARUP Laboratories
Classification: Likely benign. Last evaluated: 2025-07-08. Review status: criteria provided, single submitter. Criteria: ARUP Molecular Germline Variant Investigation Process 2024. Collection method: clinical testing. Allele origin: germline.

Molecular Diagnostics Laboratory, Catalan Institute of Oncology
Classification: Benign for Hereditary cancer-predisposing syndrome. Last evaluated: 2024-12-02. Review status: criteria provided, single submitter. Criteria: ClinGen BRCA1BRCA2 ACMG Specifications BRCA1 V1.0.0. Collection method: clinical testing. Allele origin: germline.
Comment: BP4, BP5_Moderate, BP7_Strong (RNA) BRCA1 c.4185+9C>T is an intronic variant not very close to a canonical splice site, where the SpliceAI algorithm predicts no significant impact on splicing (BP4). This variant is found in 3/255659 alleles at a frequency of 0.0012% in the gnomAD v2.1.1 database, non-cancer dataset. This is an intronic variant, and mRNA experimental analysis indicates no impact on splicing (PMID: 21394826), considered strong evidence against pathogenicity (BP7_Strong (RNA)). Published clinical data for a multifactorial likelihood analysis (PMID: 31131967) showed a combined LR indicative of moderate evidence towards benign (LR 0.068), based on segregation (LR 0.2) and tumour characteristics (LR 0.34) (BP5_Moderate). In addition, this variant has been reported in ClinVar (1x Benign, 6x Likely Benign, 1x Uncertain Significance) and LOVD (1x Uncertain Significance) databases. Based on currently available information, the variant c.4185+9C>T should be considered a benign variant.

Women's Health and Genetics/Laboratory Corporation of America, LabCorp
Classification: Likely benign. Last evaluated: 2024-10-28. Review status: criteria provided, single submitter. Criteria: LabCorp Variant Classification Summary - May 2015. Collection method: clinical testing. Allele origin: germline.
Comment: Variant summary: BRCA1 c.4185+9C>T alters a non-conserved nucleotide located at a position not widely known to affect splicing. Consensus agreement among computation tools predict no significant impact on normal splicing and experimental evidence evaluating an impact of the variant showed that wild type splicing was not affected (Whiley_2011). The variant allele was found at a frequency of 1.3e-05 in 237850 control chromosomes (gnomAD). The available data on variant occurrences in the general population are insufficient to allow any conclusion about variant significance. c.4185+9C>T has been reported in the literature in individuals affected with Breast Cancer (e.g. Whiley_2011, Hondow_2011, Judkins_2005, Flower_2015). These reports do not provide unequivocal conclusions about association of the variant with Hereditary Breast and Ovarian Cancer Syndrome. Co-occurrences with other pathogenic variants have been reported (e.g. BRCA2 c.1310_1313delAAGA (p.Lys437IlefsX22) in the UMD database; BRCA1 c.798_799delTT (p.Ser267LysfsX19) in an internal LCA sample), providing supporting evidence for a benign role. The following publications have been ascertained in the context of this evaluation (PMID: 16267036, 21702907, 21394826, 23893897, 26727311, 33948387). ClinVar contains an entry for this variant (Variation ID: 96929). Based on the evidence outlined above, the variant was classified as likely benign.

Quest Diagnostics Nichols Institute San Juan Capistrano
Classification: Benign. Last evaluated: 2023-05-11. Review status: criteria provided, single submitter. Criteria: Quest Diagnostics criteria. Collection method: clinical testing. Allele origin: unknown.

GeneDx
Classification: Likely benign. Last evaluated: 2017-10-24. Review status: criteria provided, single submitter. Criteria: GeneDx Variant Classification (06012015). Collection method: clinical testing. Allele origin: germline. Affected: yes.
Comment: This variant is considered likely benign or benign based on one or more of the following criteria: it is a conservative change, it occurs at a poorly conserved position in the protein, it is predicted to be benign by multiple in silico algorithms, and/or has population frequency not consistent with disease.

Color Diagnostics, LLC DBA Color Health
Classification: Likely benign for Hereditary cancer-predisposing syndrome. Last evaluated: 2016-07-22. Review status: criteria provided, single submitter. Criteria: ACMG Guidelines, 2015. Collection method: clinical testing. Allele origin: germline.

Counsyl
Classification: Likely benign for Breast-ovarian cancer, familial, susceptibility to, 1. Last evaluated: 2016-05-04. Review status: no assertion criteria provided. Collection method: clinical testing. Allele origin: unknown. Not counted in ClinVar's aggregate classification.

Sharing Clinical Reports Project (SCRP)
Classification: Likely benign for Breast-ovarian cancer, familial 1. Last evaluated: 2011-05-05. Review status: no assertion criteria provided. Collection method: clinical testing. Allele origin: germline. Not counted in ClinVar's aggregate classification.

Breast Cancer Information Core (BIC) (BRCA1)
Classification: Uncertain significance for Breast-ovarian cancer, familial 1. Last evaluated: 2002-05-29. Review status: no assertion criteria provided. Collection method: clinical testing. Allele origin: germline. Affected: yes. Observed: 1 variant allele. Not counted in ClinVar's aggregate classification.

Literature cited by the submitters: PubMed 16267036 (cited by Women's Health and Genetics/Laboratory Corporation of America, LabCorp); PubMed 21702907 (cited by Women's Health and Genetics/Laboratory Corporation of America, LabCorp and Quest Diagnostics Nichols Institute San Juan Capistrano); PubMed 21394826 (cited by 3 submitters); PubMed 23893897 (cited by Women's Health and Genetics/Laboratory Corporation of America, LabCorp); PubMed 26727311 (cited by Women's Health and Genetics/Laboratory Corporation of America, LabCorp and Quest Diagnostics Nichols Institute San Juan Capistrano); PubMed 33948387 (cited by Women's Health and Genetics/Laboratory Corporation of America, LabCorp); PubMed 18951446 (cited by Quest Diagnostics Nichols Institute San Juan Capistrano).

NM_007294.4(BRCA1):c.4185+9C>T

Gene: BRCA1 (BRCA1 DNA repair associated; minus strand). Cytogenetic location: 17q21.31.
Variant type: single nucleotide variant.
Coding change: c.4185+9C>T on transcript NM_007294.4 (MANE Select); 9 bases into the intron after coding-DNA position 4185, C replaced by T.
Molecular consequence: intron variant.
Genome position (GRCh38, 1-based): chr17:43,090,935, G>A on the plus strand (C>T on the coding strand, the complement: BRCA1 is on the minus strand). VCF-style: chr17-43090935-G-A. GRCh37 (hg19) VCF-style: chr17-41242952-G-A.
Other names: IVS12+9C>T; c.735+9C>T (NM_001408458.1, NM_001408469.1, NM_001408453.1 and 11 more transcripts); c.3297+9C>T (NM_001407967.1, NM_001407966.1); c.3804+9C>T (NM_001407959.1, NM_001407963.1, NM_001407960.1); c.3918+9C>T (NM_001407931.1, NM_001407932.1, NM_001407934.1 and 2 more transcripts); c.4041+9C>T (NM_001407747.1, NM_001407848.1, NM_001407839.1 and 20 more transcripts); c.3801+9C>T (NM_001407962.1); c.372+9C>T (NM_001408512.1); and 42 more.
Identifiers: ClinVar variation 96929 (VCV000096929.27), dbSNP rs80358034, ClinGen allele CA002691.